The following is an entry in ClinVar:

ClinVar aggregate classification (germline): Uncertain significance (1 of 4 stars; one submission).

Submission:

Women's Health and Genetics/Laboratory Corporation of America, LabCorp
Classification: Uncertain significance. Last evaluated: 2026-01-15. Review status: criteria provided, single submitter. Criteria: LabCorp Variant Classification Summary - May 2015. Collection method: clinical testing. Allele origin: germline.
Comment: Variant summary: COL7A1 c.7633G>A (p.Gly2545Ser) results in a non-conservative amino acid change in the encoded protein sequence. This variant disrupts the triple helix domain of COL7A1. Glycine residues within the Gly-Xaa-Yaa repeats of the triple helix domain are required for the structure and stability of fibrillar collagens (PMID: 7695699, 8218237, 19344236). Algorithms developed to predict the effect of missense changes on protein structure and function all suggest that this variant is likely to be disruptive. The variant was absent in 251482 control chromosomes. The available data on variant occurrences in the general population are insufficient to allow any conclusion about variant significance. To our knowledge, no occurrence of c.7633G>A in individuals affected with COL7A1-related conditions and no experimental evidence demonstrating its impact on protein function have been reported. No submitters have cited clinical-significance assessments for this variant to ClinVar. Based on the evidence outlined above, the variant was classified as uncertain significance.

NM_000094.4(COL7A1):c.7633G>A (p.Gly2545Ser)

Gene: COL7A1 (collagen type VII alpha 1 chain; minus strand). Cytogenetic location: 3p21.31.
Variant type: single nucleotide variant.
Coding change: c.7633G>A on transcript NM_000094.4 (MANE Select); coding-DNA position 7633, G replaced by A.
Protein change: p.Gly2545Ser; replaces glycine 2545 with serine.
Molecular consequence: missense variant.
Genome position (GRCh38, 1-based): chr3:48,569,428, C>T on the plus strand (G>A on the coding strand, the complement: COL7A1 is on the minus strand). VCF-style: chr3-48569428-C-T. GRCh37 (hg19) VCF-style: chr3-48606861-C-T.
Other names: short protein forms G2545S.
Identifiers: ClinVar variation 3902753 (VCV003902753.3).